The following is an entry in ClinVar:

NM_032444.4(SLX4):c.4259dup (p.Ile1421fs)

Gene: SLX4 (SLX4 structure-specific endonuclease subunit; minus strand). Cytogenetic location: 16p13.3.
Variant type: Duplication.
Coding change: c.4259dup on transcript NM_032444.4 (MANE Select); coding-DNA position 4259, one base duplicated (C; older notation c.4259dupC).
Protein change: p.Ile1421fs; shifts the reading frame from isoleucine 1421.
Molecular consequence: frameshift variant.
Genome position (GRCh38, 1-based): chr16:3,589,379, G duplicated on the plus strand (C on the coding strand, the reverse complement: SLX4 is on the minus strand); the first of 6 consecutive G bases (chr16:3,589,379-3,589,384); duplicating any one gives the same sequence. VCF-style (leftmost placement, unchanged base first): chr16-3589378-T-TG. GRCh37 (hg19) VCF-style: chr16-3639379-T-TG.
Other names: c.4259dupC (NM_032444.3); short protein forms I1421fs.
Identifiers: ClinVar variation 945744 (VCV000945744.10), dbSNP rs781663547, ClinGen allele CA7865702.

ClinVar aggregate classification (germline): Pathogenic/Likely pathogenic. Review status: criteria provided, multiple submitters, no conflicts (2 of 4 stars). 4 submissions from 4 submitters: Pathogenic (1); Likely pathogenic (3). Last evaluated 2026-07-05.

Conditions:
Fanconi anemia complementation group P. Also called: SLX4-Related Fanconi Anemia. Identifiers: Orphanet 84, MedGen C3469542, MONDO:0013499, OMIM 613951.
SLX4-related disorder. Also called: SLX4-related condition.
Fanconi anemia (FA). Also called: Fanconi's anemia. Identifiers: Orphanet 84, MedGen C0015625, MeSH D005199, MONDO:0019391.

Submissions (4):

PreventionGenetics, part of Exact Sciences
Classification: Likely pathogenic for SLX4-related condition. Last evaluated: 2026-07-05. Review status: criteria provided, single submitter. Criteria: ACMG Guidelines, 2015. Collection method: clinical testing. Allele origin: germline.
Comment: The SLX4 c.4259dupC variant is predicted to result in a frameshift and premature protein termination (p.Ile1421Asnfs*4). This variant has not been reported in individuals with SLX4-related Fanconi anemia. This variant is reported in 0.0028% of alleles in individuals of European (Non-Finnish) descent in gnomAD. Frameshift variants in SLX4 are expected to be pathogenic. This variant is interpreted as likely pathogenic.

Labcorp Genetics (formerly Invitae), Labcorp
Classification: Pathogenic for Fanconi anemia. Last evaluated: 2023-11-02. Review status: criteria provided, single submitter. Criteria: Invitae Variant Classification Sherloc (09022015). Collection method: clinical testing. Allele origin: germline.
Comment: This sequence change creates a premature translational stop signal (p.Ile1421Asnfs*4) in the SLX4 gene. It is expected to result in an absent or disrupted protein product. Loss-of-function variants in SLX4 are known to be pathogenic (PMID: 21240277). This variant is present in population databases (rs781663547, gnomAD 0.003%). This variant has not been reported in the literature in individuals affected with SLX4-related conditions. ClinVar contains an entry for this variant (Variation ID: 945744). For these reasons, this variant has been classified as Pathogenic.

Blueprint Genetics
Classification: Likely pathogenic for SLX4-related disorders. Last evaluated: 2020-12-16. Review status: criteria provided, single submitter. Criteria: ACMG Guidelines, 2015. Collection method: clinical testing. Allele origin: germline. Affected: yes. Observed: 3 variant alleles.

Juno Genomics, Hangzhou Juno Genomics, Inc
Classification: Likely pathogenic for Fanconi anemia complementation group P. Review status: criteria provided, single submitter. Criteria: ACMG Guidelines, 2015. Collection method: clinical testing. Allele origin: germline.
Comment: Null variant in a gene where loss of function (LOF) is a known mechanism of disease.;Absent from controls (or at extremely low frequency if recessive) in Genome Aggregation Database.

Literature cited by the submitters: PubMed 21240277 (cited by Labcorp Genetics (formerly Invitae), Labcorp).